The following is an entry in ClinVar:

ClinVar aggregate classification (germline): Uncertain significance (1 of 4 stars; one submission).

Conditions:
Bethlem myopathy 1A. Also called: MYOPATHY, BENIGN CONGENITAL, WITH CONTRACTURES; Bethlem myopathy 1; Bethlem Muscular Dystrophy. Identifiers: Orphanet 610, MedGen CN029274, MONDO:0024530, OMIM 158810.

Submission:

Labcorp Genetics (formerly Invitae), Labcorp
Classification: Uncertain significance for Bethlem myopathy 1A. Last evaluated: 2025-07-23. Review status: criteria provided, single submitter. Criteria: Invitae Variant Classification Sherloc (09022015). Collection method: clinical testing. Allele origin: germline.
Comment: This sequence change replaces histidine, which is basic and polar, with arginine, which is basic and polar, at codon 1950 of the COL6A3 protein (p.His1950Arg). This variant is not present in population databases (gnomAD no frequency). This variant has not been reported in the literature in individuals affected with COL6A3-related conditions. Invitae Evidence Modeling of protein sequence and biophysical properties (such as structural, functional, and spatial information, amino acid conservation, physicochemical variation, residue mobility, and thermodynamic stability) indicates that this missense variant is expected to disrupt COL6A3 protein function with a positive predictive value of 80%. In summary, the available evidence is currently insufficient to determine the role of this variant in disease. Therefore, it has been classified as a Variant of Uncertain Significance.

NM_004369.4(COL6A3):c.5849A>G (p.His1950Arg)

Gene: COL6A3 (collagen type VI alpha 3 chain; minus strand). Cytogenetic location: 2q37.3.
Variant type: single nucleotide variant.
Coding change: c.5849A>G on transcript NM_004369.4 (MANE Select); coding-DNA position 5849, A replaced by G.
Protein change: p.His1950Arg; replaces histidine 1950 with arginine.
Molecular consequence: missense variant.
Genome position (GRCh38, 1-based): chr2:237,364,418, T>C on the plus strand (A>G on the coding strand, the complement: COL6A3 is on the minus strand). VCF-style: chr2-237364418-T-C. GRCh37 (hg19) VCF-style: chr2-238273061-T-C.
Other names: c.5231A>G, p.His1744Arg (NM_057167.4); c.4028A>G, p.His1343Arg (NM_057166.5); short protein forms H1343R, H1744R, H1950R.
Identifiers: ClinVar variation 4741444 (VCV004741444.1).